The following is an entry in ClinVar:

ClinVar aggregate classification (germline): Uncertain significance (1 of 4 stars; one submission).

Allele frequency attached by ClinVar (database versions not stated): gnomAD exomes below 0.00001; TOPMed below 0.00001; gnomAD 0.00001.
gnomAD v4.1: 6 of 1,593,650 alleles (0.00038%); highest among the groups gnomAD compares: Non-Finnish European, 0.00043%; no homozygotes.

Submission:

Labcorp Genetics (formerly Invitae), Labcorp
Classification: Uncertain significance. Last evaluated: 2022-04-25. Review status: criteria provided, single submitter. Criteria: Invitae Variant Classification Sherloc (09022015). Collection method: clinical testing. Allele origin: germline.
Comment: This sequence change replaces methionine, which is neutral and non-polar, with valine, which is neutral and non-polar, at codon 712 of the SLC12A6 protein (p.Met712Val). This variant is present in population databases (no rsID available, gnomAD 0.0009%). This variant has not been reported in the literature in individuals affected with SLC12A6-related conditions. Advanced modeling of protein sequence and biophysical properties (such as structural, functional, and spatial information, amino acid conservation, physicochemical variation, residue mobility, and thermodynamic stability) performed at Invitae indicates that this missense variant is not expected to disrupt SLC12A6 protein function. In summary, the available evidence is currently insufficient to determine the role of this variant in disease. Therefore, it has been classified as a Variant of Uncertain Significance.

NM_001365088.1(SLC12A6):c.2134A>G (p.Met712Val)

Gene: SLC12A6 (solute carrier family 12 member 6; minus strand). Cytogenetic location: 15q14.
Variant type: single nucleotide variant.
Coding change: c.2134A>G on transcript NM_001365088.1 (MANE Select); coding-DNA position 2134, A replaced by G.
Protein change: p.Met712Val; replaces methionine 712 with valine.
Molecular consequence: missense variant.
Genome position (GRCh38, 1-based): chr15:34,242,130, T>C on the plus strand (A>G on the coding strand, the complement: SLC12A6 is on the minus strand). VCF-style: chr15-34242130-T-C. GRCh37 (hg19) VCF-style: chr15-34534331-T-C.
Other names: c.1957A>G, p.Met653Val (NM_001042494.2, NM_001042495.2); c.2107A>G, p.Met703Val (NM_001042496.2); c.2089A>G, p.Met697Val (NM_001042497.2); c.1981A>G, p.Met661Val (NM_005135.2); c.2134A>G, p.Met712Val (NM_133647.2); short protein forms M703V, M661V, M697V, M712V, M653V.
Identifiers: ClinVar variation 1911830 (VCV001911830.2), dbSNP rs1331183612, ClinGen allele CA391620239.